The following is an entry in ClinVar:

NM_004415.4(DSP):c.1204A>C (p.Lys402Gln)

Gene: DSP (desmoplakin; plus strand). Cytogenetic location: 6p24.3.
Variant type: single nucleotide variant.
Coding change: c.1204A>C on transcript NM_004415.4 (MANE Select); coding-DNA position 1204, A replaced by C.
Protein change: p.Lys402Gln; replaces lysine 402 with glutamine.
Molecular consequence: missense variant.
Genome position (GRCh38, 1-based): chr6:7,567,844, A>C. VCF-style: chr6-7567844-A-C. GRCh37 (hg19) VCF-style: chr6-7568077-A-C.
Other names: c.1204A>C, p.Lys402Gln (NM_001008844.3, NM_001319034.2, NM_001406591.1); short protein forms K402Q.
Identifiers: ClinVar variation 3893849 (VCV003893849.1).

ClinVar aggregate classification (germline): Uncertain significance (1 of 4 stars; one submission).

Conditions:
Cardiomyopathy (CMYO). Also called: Cardiomyopathies. Identifiers: Orphanet 167848, MedGen C0878544, MONDO:0004994, HP:0001638. Inheritance: Various modes of inheritance.

Submission:

Color Diagnostics, LLC DBA Color Health
Classification: Uncertain significance for Cardiomyopathy. Last evaluated: 2024-11-17. Review status: criteria provided, single submitter. Criteria: ACMG Guidelines, 2015. Collection method: clinical testing. Allele origin: germline.
Comment: This missense variant replaces lysine with glutamine at codon 402 of the DSP protein. Computational prediction is inconclusive regarding the impact of this variant on protein structure and function (internally defined REVEL score threshold 0.5 < inconclusive < 0.7, PMID: 27666373). To our knowledge, functional studies have not been reported for this variant. This variant has not been reported in individuals affected with DSP-related disorders in the literature. This variant has not been identified in the general population by the Genome Aggregation Database (gnomAD). The available evidence is insufficient to determine the role of this variant in disease conclusively. Therefore, this variant is classified as a Variant of Uncertain Significance.